The following is an entry in ClinVar:

ClinVar aggregate classification (germline): Benign/Likely benign. Review status: criteria provided, multiple submitters, no conflicts (2 of 4 stars). 4 submissions from 4 submitters: Benign (3); Likely benign (1). Last evaluated 2026-01-23.

Allele frequency attached by ClinVar (database versions not stated): gnomAD exomes 0.00037 and 0.00098; ExAC 0.00125; ESP Exome Variant Server 0.00431; gnomAD 0.00433 and 0.00468; TOPMed 0.00480; 1000 Genomes Project 0.00599; 1000 Genomes Project 30x 0.00687.
gnomAD v4.1: 1,238 of 1,613,970 alleles (0.077%); highest among the groups gnomAD compares: African/African-American, 1.5%; 6 homozygotes.

Submissions (4):

Labcorp Genetics (formerly Invitae), Labcorp
Classification: Benign. Last evaluated: 2026-01-23. Review status: criteria provided, single submitter. Criteria: Invitae Variant Classification Sherloc (09022015). Collection method: clinical testing. Allele origin: germline.

Blueprint Genetics
Classification: Likely benign. Last evaluated: 2024-11-14. Review status: criteria provided, single submitter. Criteria: ACMG Guidelines, 2015. Collection method: clinical testing. Allele origin: germline.

CeGaT Center for Human Genetics Tuebingen
Classification: Benign. Last evaluated: 2023-06-01. Review status: criteria provided, single submitter. Criteria: CeGaT Center For Human Genetics Tuebingen Variant Classification Criteria Version 2. Collection method: clinical testing. Allele origin: germline. Affected: yes. Observed: 1 variant allele.
Comment: RP1: BP4, BP7, BS1, BS2

Breakthrough Genomics
Classification: Benign. Review status: criteria provided, single submitter. Criteria: ACMG Guidelines, 2015. Collection method: not provided. Allele origin: germline. Inheritance: Autosomal dominant inheritance. Affected: yes.

NM_006269.2(RP1):c.885T>C (p.Val295=)

Gene: RP1 (RP1 axonemal microtubule associated; plus strand). Cytogenetic location: 8q12.1.
Variant type: single nucleotide variant.
Coding change: c.885T>C on transcript NM_006269.2 (MANE Select); coding-DNA position 885, T replaced by C.
Protein change: p.Val295=; no amino-acid change (valine 295 retained).
Molecular consequence: synonymous variant. On other transcripts: intron variant (1).
Genome position (GRCh38, 1-based): chr8:54,624,767, T>C. VCF-style: chr8-54624767-T-C. GRCh37 (hg19) VCF-style: chr8-55537327-T-C.
Other names: c.787+2479T>C (NM_001375654.1).
Identifiers: ClinVar variation 712474 (VCV000712474.36), dbSNP rs80043423, ClinGen allele CA4751290.